The following is an entry in ClinVar:

NM_003071.4(HLTF):c.760C>T (p.Arg254Trp)

Gene: HLTF (helicase like transcription factor; minus strand). Cytogenetic location: 3q24.
Variant type: single nucleotide variant.
Coding change: c.760C>T on transcript NM_003071.4 (MANE Select); coding-DNA position 760, C replaced by T.
Protein change: p.Arg254Trp; replaces arginine 254 with tryptophan.
Molecular consequence: missense variant.
Genome position (GRCh38, 1-based): chr3:149,071,386, G>A on the plus strand (C>T on the coding strand, the complement: HLTF is on the minus strand). VCF-style: chr3-149071386-G-A. GRCh37 (hg19) VCF-style: chr3-148789173-G-A.
Other names: c.760C>T, p.Arg254Trp (NM_001318934.2, NM_001318935.2, NM_139048.3); short protein forms R254W.
Identifiers: ClinVar variation 3054258 (VCV003054258.2), dbSNP rs547894937, ClinGen allele CA2659463.

ClinVar aggregate classification (germline): Uncertain significance (0 of 4 stars; one submission).

Conditions:
HLTF-related disorder. Also called: HLTF-related condition.

Allele frequency attached by ClinVar (database versions not stated): gnomAD 0.00001; ExAC 0.00002; TOPMed 0.00002; 1000 Genomes Project 30x 0.00016; 1000 Genomes Project 0.00020.
gnomAD v4.1: 24 of 1,613,672 alleles (0.0015%); highest among the groups gnomAD compares: Middle Eastern, 0.066%; no homozygotes.

Submission:

PreventionGenetics, part of Exact Sciences
Classification: Uncertain significance for HLTF-related condition. Last evaluated: 2024-02-07. Review status: no assertion criteria provided. Collection method: clinical testing. Allele origin: germline.
Comment: The HLTF c.760C>T variant is predicted to result in the amino acid substitution p.Arg254Trp. To our knowledge, this variant has not been reported in the literature. This variant is reported in 0.0029% of alleles in individuals of Latino descent in gnomAD. At this time, the clinical significance of this variant is uncertain due to the absence of conclusive functional and genetic evidence.